The following is an entry in ClinVar:

NM_148919.4(PSMB8):c.274G>C (p.Ala92Pro)

Gene: PSMB8 (proteasome 20S subunit beta 8; minus strand). Cytogenetic location: 6p21.32.
Variant type: single nucleotide variant.
Coding change: c.274G>C on transcript NM_148919.4 (MANE Select); coding-DNA position 274, G replaced by C.
Protein change: p.Ala92Pro; replaces alanine 92 with proline.
Molecular consequence: missense variant.
Genome position (GRCh38, 1-based): chr6:32,842,963, C>G on the plus strand (G>C on the coding strand, the complement: PSMB8 is on the minus strand). VCF-style: chr6-32842963-C-G. GRCh37 (hg19) VCF-style: chr6-32810740-C-G.
Other names: c.262G>C, p.Ala88Pro (NM_004159.5); short protein forms A92P, A88P.
Identifiers: ClinVar variation 2109309 (VCV002109309.4), dbSNP rs751107274, ClinGen allele CA363589358.
Genomic context (GRCh38, chr6:32,842,963, plus strand): 5'-AGCTCCCCAGATTCTGCCTGCTGGAGCGTATACACTCACTAATGTAGGACCCAGCTGAGG[C>G]CCGAGAATCCACTGCTGCAATCACTCCATGCTGGAACTTGAAGGCGAGCGTGGTGGTGCC-3'
Protein context (NP_683720.2, residues 82-102): HGVIAAVDSR[Ala92Pro]SAGSYISALR

ClinVar aggregate classification (germline): Uncertain significance (1 of 4 stars; one submission).

Conditions:
Proteosome-associated autoinflammatory syndrome. Also called: Proteasome-associated autoinflammatory syndrome. Identifiers: Orphanet 324977, MedGen C1850568, MONDO:0009726.

Submission:

Labcorp Genetics (formerly Invitae), Labcorp
Classification: Uncertain significance for Proteosome-associated autoinflammatory syndrome. Last evaluated: 2022-03-11. Review status: criteria provided, single submitter. Criteria: Invitae Variant Classification Sherloc (09022015). Collection method: clinical testing. Allele origin: germline.
Comment: In summary, the available evidence is currently insufficient to determine the role of this variant in disease. Therefore, it has been classified as a Variant of Uncertain Significance. This variant disrupts the p.Ala92 amino acid residue in PSMB8. Other variant(s) that disrupt this residue have been determined to be pathogenic (PMID: 23768303, 26524591, 28895430). This suggests that this residue is clinically significant, and that variants that disrupt this residue are likely to be disease-causing. Algorithms developed to predict the effect of missense changes on protein structure and function (SIFT, PolyPhen-2, Align-GVGD) all suggest that this variant is likely to be disruptive. This variant has not been reported in the literature in individuals affected with PSMB8-related conditions. This variant is not present in population databases (gnomAD no frequency). This sequence change replaces alanine, which is neutral and non-polar, with proline, which is neutral and non-polar, at codon 92 of the PSMB8 protein (p.Ala92Pro).

Literature cited by the submitters: PubMed 23768303; PubMed 26524591; PubMed 28895430.